The following is an entry in ClinVar:

ClinVar aggregate classification (germline): Likely benign. Review status: criteria provided, multiple submitters, no conflicts (2 of 4 stars). 5 submissions from 4 submitters: Likely benign (5). Last evaluated 2026-01-28.

Conditions:
Hereditary nonpolyposis colorectal neoplasms. Identifiers: MedGen C0009405, MeSH D003123.
Hereditary cancer-predisposing syndrome. Also called: Hereditary Cancer Syndrome; Hereditary neoplastic syndrome; Neoplastic Syndromes, Hereditary; Tumor predisposition. Identifiers: Orphanet 140162, MedGen C0027672, MeSH D009386, MONDO:0015356.
Lynch syndrome. Identifiers: Orphanet 144, MedGen C4552100, MONDO:0005835. Disease mechanism: loss of function.

Submissions (5):

Labcorp Genetics (formerly Invitae), Labcorp
Classification: Likely benign for Hereditary nonpolyposis colorectal neoplasms. Last evaluated: 2026-01-28. Review status: criteria provided, single submitter. Criteria: Invitae Variant Classification Sherloc (09022015). Collection method: clinical testing. Allele origin: germline.

Women's Health and Genetics/Laboratory Corporation of America, LabCorp
Classification: Likely benign. Last evaluated: 2025-04-28. Review status: criteria provided, single submitter. Criteria: LabCorp Variant Classification Summary - May 2015. Collection method: clinical testing. Allele origin: germline.
Comment: Variant summary: MSH6 c.458-5delT alters a non-conserved nucleotide located at a position not widely known to affect splicing. Consensus agreement among computation tools predict no significant impact on normal splicing. However, these predictions have yet to be confirmed by functional studies. The variant was absent in 249796 control chromosomes. The available data on variant occurrences in the general population are insufficient to allow any conclusion about variant significance. c.458-5delT has been reported in the literature in at least one individual affected with breast cancer (e.g., Tung_2014), however without strong evidence for causality (e.g., lack of co-segregation data). These report(s) do not provide unequivocal conclusions about association of the variant with Hereditary Nonpolyposis Colorectal Cancer. To our knowledge, no experimental evidence demonstrating an impact on protein function has been reported. The following publication has been ascertained in the context of this evaluation (PMID: 25186627). ClinVar contains an entry for this variant (Variation ID: 455326). Based on the evidence outlined above, the variant was classified as likely benign.

Color Diagnostics, LLC DBA Color Health
Classification: Likely benign for Hereditary cancer-predisposing syndrome. Last evaluated: 2018-11-15. Review status: criteria provided, single submitter. Criteria: ACMG Guidelines, 2015. Collection method: clinical testing. Allele origin: germline.

Labcorp Genetics (formerly Invitae), Labcorp
Classification: Likely benign for Lynch syndrome. Last evaluated: 2015-06-03. Review status: criteria provided, single submitter. Criteria: Invitae Variant Classification Sherloc (09022015). Collection method: clinical testing. Allele origin: germline.

Ambry Genetics
Classification: Likely benign for Hereditary cancer-predisposing syndrome. Last evaluated: 2014-01-09. Review status: criteria provided, single submitter. Criteria: Ambry Autosomal Dominant and X-Linked criteria (10/2015). Collection method: clinical testing. Allele origin: germline. Observed: 1 variant allele.

Literature cited by the submitters: PubMed 25186627 (cited by Women's Health and Genetics/Laboratory Corporation of America, LabCorp).

NM_000179.3(MSH6):c.458-5del

Gene: MSH6 (mutS homolog 6; plus strand). Cytogenetic location: 2p16.3.
Variant type: Deletion.
Coding change: c.458-5del on transcript NM_000179.3 (MANE Select); 5 bases into the intron before coding-DNA position 458, one base deleted (T; older notation c.458-5delT).
Molecular consequence: intron variant.
Genome position (GRCh38, 1-based): chr2:47,795,889, T deleted; the last of 3 consecutive T bases (chr2:47,795,887-47,795,889); deleting any one gives the same sequence. VCF-style (leftmost placement, unchanged base first): chr2-47795886-CT-C. GRCh37 (hg19) VCF-style: chr2-48023025-CT-C.
Other names: c.458-7delT (NM_000179.2); c.-279-2722del (NM_001281493.2); c.238-2722del (NM_001281492.2); c.-445-5del (NM_001281494.2); c.458-5delT (NM_000179.2, NM_000179.3).
Identifiers: ClinVar variation 455326 (VCV000455326.18), dbSNP rs587781955, ClinGen allele CA015648.